The following is an entry in ClinVar:

NM_002788.4(PSMA3):c.722A>T (p.Lys241Met)

Genes: PSMA3 (proteasome 20S subunit alpha 3; plus strand), PSMA3-AS1 (PSMA3 antisense RNA 1; minus strand). Cytogenetic location: 14q23.1.
Variant type: single nucleotide variant.
Coding change: c.722A>T on transcript NM_002788.4 (MANE Select); coding-DNA position 722, A replaced by T.
Protein change: p.Lys241Met; replaces lysine 241 with methionine.
Molecular consequence: missense variant. On other transcripts: non-coding transcript variant (1).
Genome position (GRCh38, 1-based): chr14:58,270,997, A>T. VCF-style: chr14-58270997-A-T. GRCh37 (hg19) VCF-style: chr14-58737715-A-T.
Other names: c.701A>T, p.Lys234Met (NM_152132.3); short protein forms K234M, K241M.
Identifiers: ClinVar variation 3426901 (VCV003426901.2).

ClinVar aggregate classification (germline): Uncertain significance. Review status: criteria provided, multiple submitters, no conflicts (2 of 4 stars). 2 submissions from 2 submitters: Uncertain significance (2). Last evaluated 2025-07-02.

gnomAD v4.1: 26 of 1,604,560 alleles (0.0016%); highest among the groups gnomAD compares: Non-Finnish European, 0.0021%; no homozygotes.

Submissions (2):

Labcorp Genetics (formerly Invitae), Labcorp
Classification: Uncertain significance. Last evaluated: 2025-07-02. Review status: criteria provided, single submitter. Criteria: Invitae Variant Classification Sherloc (09022015). Collection method: clinical testing. Allele origin: germline.
Comment: This sequence change replaces lysine, which is basic and polar, with methionine, which is neutral and non-polar, at codon 241 of the PSMA3 protein (p.Lys241Met). This variant is present in population databases (no rsID available, gnomAD 0.002%). This variant has not been reported in the literature in individuals affected with PSMA3-related conditions. ClinVar contains an entry for this variant (Variation ID: 3426901). An algorithm developed to predict the effect of missense changes on protein structure and function (PolyPhen-2) suggests that this variant is likely to be tolerated. In summary, the available evidence is currently insufficient to determine the role of this variant in disease. Therefore, it has been classified as a Variant of Uncertain Significance.

Ambry Genetics
Classification: Uncertain significance. Last evaluated: 2024-09-04. Review status: criteria provided, single submitter. Criteria: Ambry Variant Classification Scheme 2023. Collection method: clinical testing. Allele origin: germline.